The following is an entry in ClinVar:

ClinVar aggregate classification (germline): Uncertain significance. Review status: criteria provided, single submitter (1 of 4 stars). 2 submissions from 2 submitters: Uncertain significance (1). 1 of the submissions does not count toward it. Last evaluated 2022-02-16.

Conditions:
Inborn genetic diseases. Identifiers: MedGen C0950123, MeSH D030342.
Amyotrophic lateral sclerosis type 10 (ALS10). Also called: AMYOTROPHIC LATERAL SCLEROSIS 10 WITH OR WITHOUT FRONTOTEMPORAL DEMENTIA; Amyotrophic lateral sclerosis 10, with or without FTD; AMYOTROPHIC LATERAL SCLEROSIS 10 WITHOUT FRONTOTEMPORAL DEMENTIA AND WITH TDP43 INCLUSIONS; AMYOTROPHIC LATERAL SCLEROSIS 10 WITH OR WITHOUT FRONTOTEMPORAL DEMENTIA AND WITH TDP43 INCLUSIONS; TARDBP-Related Amyotrophic Lateral Sclerosis-Frontotemporal Dementia. Identifiers: Orphanet 275872, Orphanet 803, MedGen C2677565, MONDO:0012790, OMIM 612069.

gnomAD v4.1: 5 of 1,613,980 alleles (0.00031%); highest among the groups gnomAD compares: South Asian, 0.0011%; no homozygotes.

Submissions (2):

Ambry Genetics
Classification: Uncertain significance for Inborn genetic diseases. Last evaluated: 2022-02-16. Review status: criteria provided, single submitter. Criteria: Ambry Variant Classification Scheme 2023. Collection method: clinical testing. Allele origin: germline.
Comment: The p.G294A variant (also known as c.881G>C), located in coding exon 5 of the TARDBP gene, results from a G to C substitution at nucleotide position 881. The glycine at codon 294 is replaced by alanine, an amino acid with similar properties. This alteration has been detected in an individual with sporadic, late-onset amyotrophic lateral sclerosis (Sreedharan J et al. Science, 2008 Mar;319:1668-72). This amino acid position is well conserved in available vertebrate species; however, alanine is the reference amino acid in other vertebrate species. In addition, this alteration is predicted to be deleterious by in silico analysis. Since supporting evidence is limited at this time, the clinical significance of this alteration remains unclear.

OMIM
Classification: Pathogenic for AMYOTROPHIC LATERAL SCLEROSIS 10 WITHOUT FRONTOTEMPORAL DEMENTIA AND WITH TDP43 INCLUSIONS. Last evaluated: 2009-10-01. Review status: no assertion criteria provided. Collection method: literature only. Allele origin: germline. Not counted in ClinVar's aggregate classification.

Literature cited by the submitters: PubMed 18309045 (cited by Ambry Genetics and OMIM); PubMed 19695877 (cited by OMIM).

NM_007375.4(TARDBP):c.881G>C (p.Gly294Ala)

Gene: TARDBP (TAR DNA binding protein; plus strand). Cytogenetic location: 1p36.22.
Variant type: single nucleotide variant.
Coding change: c.881G>C on transcript NM_007375.4 (MANE Select); coding-DNA position 881, G replaced by C.
Protein change: p.Gly294Ala; replaces glycine 294 with alanine.
Molecular consequence: missense variant.
Genome position (GRCh38, 1-based): chr1:11,022,290, G>C. VCF-style: chr1-11022290-G-C. GRCh37 (hg19) VCF-style: chr1-11082347-G-C.
Other names: short protein forms G294A.
Identifiers: ClinVar variation 5230 (VCV000005230.3), dbSNP rs80356721, ClinGen allele CA253445.